The following is an entry in ClinVar:

NM_022124.6(CDH23):c.4274C>T (p.Ala1425Val)

Gene: CDH23 (cadherin related 23; plus strand). Cytogenetic location: 10q22.1.
Variant type: single nucleotide variant.
Coding change: c.4274C>T on transcript NM_022124.6 (MANE Select); coding-DNA position 4274, C replaced by T.
Protein change: p.Ala1425Val; replaces alanine 1425 with valine.
Molecular consequence: missense variant.
Genome position (GRCh38, 1-based): chr10:71,738,562, C>T. VCF-style: chr10-71738562-C-T. GRCh37 (hg19) VCF-style: chr10-73498319-C-T.
Other names: c.4274C>T (NM_022124.5); short protein forms A1425V.
Identifiers: ClinVar variation 1371391 (VCV001371391.5), dbSNP rs753568239, ClinGen allele CA5544999.

ClinVar aggregate classification (germline): Conflicting classifications of pathogenicity. Review status: criteria provided, conflicting classifications (1 of 4 stars). 3 submissions from 3 submitters: Uncertain significance (2); Likely benign (1). Last evaluated 2024-12-03.

Allele frequency attached by ClinVar (database versions not stated): ExAC 0.00002; gnomAD exomes 0.00005 and 0.00006; gnomAD 0.00009 and 0.00011; TOPMed 0.00009.
gnomAD v4.1: 93 of 1,613,816 alleles (0.0058%); highest among the groups gnomAD compares: African/African-American, 0.024%; no homozygotes.

Submissions (3):

GeneDx
Classification: Uncertain significance. Last evaluated: 2024-12-03. Review status: criteria provided, single submitter. Criteria: GeneDx Variant Classification Process June 2021. Collection method: clinical testing. Allele origin: germline. Affected: yes.
Comment: Reported in a patient from a cohort of individuals with non-syndromic hearing loss (PMID: 24416283); however, this patient also also harbored a variant in USH1C and the variant CDH23 gene did not segregate with disease in the family; In silico analysis indicates that this missense variant does not alter protein structure/function; This variant is associated with the following publications: (PMID: 24416283)

Blueprint Genetics
Classification: Likely benign. Last evaluated: 2024-11-01. Review status: criteria provided, single submitter. Criteria: ACMG Guidelines, 2015. Collection method: clinical testing. Allele origin: germline.

Labcorp Genetics (formerly Invitae), Labcorp
Classification: Uncertain significance. Last evaluated: 2022-07-21. Review status: criteria provided, single submitter. Criteria: Invitae Variant Classification Sherloc (09022015). Collection method: clinical testing. Allele origin: germline.
Comment: This sequence change replaces alanine, which is neutral and non-polar, with valine, which is neutral and non-polar, at codon 1425 of the CDH23 protein (p.Ala1425Val). This variant is present in population databases (rs753568239, gnomAD 0.01%). This variant has not been reported in the literature in individuals affected with CDH23-related conditions. ClinVar contains an entry for this variant (Variation ID: 1371391). Algorithms developed to predict the effect of missense changes on protein structure and function output the following: SIFT: "Deleterious"; PolyPhen-2: "Not Available"; Align-GVGD: "Class C0". The valine amino acid residue is found in multiple mammalian species, which suggests that this missense change does not adversely affect protein function. In summary, the available evidence is currently insufficient to determine the role of this variant in disease. Therefore, it has been classified as a Variant of Uncertain Significance.